The following is an entry in ClinVar:

ClinVar aggregate classification (germline): Likely benign (1 of 4 stars; one submission).

gnomAD v4.1: 39 of 1,614,070 alleles (0.0024%); highest among the groups gnomAD compares: Non-Finnish European, 0.002%; no homozygotes.

Submission:

CeGaT Center for Human Genetics Tuebingen
Classification: Likely benign. Last evaluated: 2025-02-01. Review status: criteria provided, single submitter. Criteria: CeGaT Center For Human Genetics Tuebingen Variant Classification Criteria Version 2. Collection method: clinical testing. Allele origin: germline. Affected: yes. Observed: 1 variant allele.
Comment: STOX1: BP4, BP7

NM_152709.5(STOX1):c.1773G>A (p.Leu591=)

Gene: STOX1 (storkhead box 1; plus strand). Cytogenetic location: 10q22.1.
Variant type: single nucleotide variant.
Coding change: c.1773G>A on transcript NM_152709.5 (MANE Select); coding-DNA position 1773, G replaced by A.
Protein change: p.Leu591=; no amino-acid change (leucine 591 retained).
Molecular consequence: synonymous variant. On other transcripts: intron variant (2).
Genome position (GRCh38, 1-based): chr10:68,885,569, G>A. VCF-style: chr10-68885569-G-A. GRCh37 (hg19) VCF-style: chr10-70645325-G-A.
Other names: c.1773G>A, p.Leu591= (NM_001130161.4); c.663+1110G>A (NM_001130159.3); c.463+3459G>A (NM_001130160.3).
Identifiers: ClinVar variation 3771463 (VCV003771463.13).
Genomic context (GRCh38, chr10:68,885,569, plus strand): 5'-CAAACCCATCAATGATGACTTCAGAGGTCACCTCTTCAGTCACCCTCAACAGAGCATGTT[G>A]CAAAATGATGGTAAATGCTGTCCCTTTATGGAAAGCATGTTGAGATATGAAGTGTATGGT-3'
Protein context (NP_689922.3, residues 581-601): HLFSHPQQSM[Leu591=]QNDGKCCPFM